The following is an entry in ClinVar:

ClinVar aggregate classification (germline): Benign (0 of 4 stars; one submission).

Conditions:
BAZ2B-related disorder. Also called: BAZ2B-related condition.

Allele frequency attached by ClinVar (database versions not stated): gnomAD exomes 0.00028; ExAC 0.00099; 1000 Genomes Project 0.00379; ESP Exome Variant Server 0.00391; 1000 Genomes Project 30x 0.00422.
gnomAD v4.1: 895 of 1,551,234 alleles (0.058%); highest among the groups gnomAD compares: African/African-American, 1.1%; 3 homozygotes.

Submission:

PreventionGenetics, part of Exact Sciences
Classification: Benign for BAZ2B-related condition. Last evaluated: 2019-04-11. Review status: no assertion criteria provided. Collection method: clinical testing. Allele origin: germline.
Comment: This variant is classified as benign based on ACMG/AMP sequence variant interpretation guidelines (Richards et al. 2015 PMID: 25741868, with internal and published modifications).

NM_013450.4(BAZ2B):c.2244A>G (p.Pro748=)

Gene: BAZ2B (bromodomain adjacent to zinc finger domain 2B; minus strand). Cytogenetic location: 2q24.2.
Variant type: single nucleotide variant.
Coding change: c.2244A>G on transcript NM_013450.4 (MANE Select); coding-DNA position 2244, A replaced by G.
Protein change: p.Pro748=; no amino-acid change (proline 748 retained).
Molecular consequence: synonymous variant.
Genome position (GRCh38, 1-based): chr2:159,429,211, T>C on the plus strand (A>G on the coding strand, the complement: BAZ2B is on the minus strand). VCF-style: chr2-159429211-T-C. GRCh37 (hg19) VCF-style: chr2-160285722-T-C.
Other names: c.2238A>G, p.Pro746= (NM_001289975.1); c.2055A>G, p.Pro685= (NM_001329857.2); c.2244A>G, p.Pro748= (NM_001329858.2).
Identifiers: ClinVar variation 3050671 (VCV003050671.2), dbSNP rs34097173, ClinGen allele CA1924732.
Genomic context (GRCh38, chr2:159,429,211, plus strand): 5'-GCATAAATATATGGGGGAAAAAGAAAAAGGAAAACCTTATTTTGCATACCCATATTCCAA[T>C]GGAATACGCAGTTCACGTTCATCTGTTACTCTTCTTCTTTTGGAAGTGCCTTTAAAAAAA-3'
Protein context (NP_038478.2, residues 738-758): RVTDERELRI[Pro748=]LEYGWQRETR